The following is an entry in ClinVar:

NM_001378609.3(OTOGL):c.4654G>A (p.Ala1552Thr)

Gene: OTOGL (otogelin like; plus strand). Cytogenetic location: 12q21.31.
Variant type: single nucleotide variant.
Coding change: c.4654G>A on transcript NM_001378609.3 (MANE Select); coding-DNA position 4654, G replaced by A.
Protein change: p.Ala1552Thr; replaces alanine 1552 with threonine.
Molecular consequence: missense variant.
Genome position (GRCh38, 1-based): chr12:80,336,466, G>A. VCF-style: chr12-80336466-G-A. GRCh37 (hg19) VCF-style: chr12-80730246-G-A.
Other names: c.4519G>A, p.Ala1507Thr (NM_001368062.3); c.4654G>A, p.Ala1552Thr (NM_001378610.3, NM_173591.7); short protein forms A1507T, A1552T.
Identifiers: ClinVar variation 1700975 (VCV001700975.2), dbSNP rs142647924, ClinGen allele CA385880779.

ClinVar aggregate classification (germline): Uncertain significance (1 of 4 stars; one submission).

Allele frequency attached by ClinVar (database versions not stated): gnomAD 0.00001.
gnomAD v4.1: 25 of 1,608,618 alleles (0.0016%); highest among the groups gnomAD compares: South Asian, 0.0099%; no homozygotes.

Submission:

GeneDx
Classification: Uncertain significance. Last evaluated: 2022-02-15. Review status: criteria provided, single submitter. Criteria: GeneDx Variant Classification Process June 2021. Collection method: clinical testing. Allele origin: germline. Affected: yes.
Comment: Not observed at significant frequency in large population cohorts (gnomAD); In silico analysis supports that this missense variant does not alter protein structure/function; Has not been previously published as pathogenic or benign to our knowledge